The following is an entry in ClinVar:

NC_000012.11:g.(?_53701273)_(53709586_?)del

Gene: AAAS (aladin WD repeat nucleoporin; minus strand). Cytogenetic location: 12q13.13.
Variant type: Deletion.
Identifiers: ClinVar variation 3244422 (VCV003244422.1).

ClinVar aggregate classification (germline): Pathogenic (1 of 4 stars; one submission).

Submission:

Labcorp Genetics (formerly Invitae), Labcorp
Classification: Pathogenic. Last evaluated: 2023-03-14. Review status: criteria provided, single submitter. Criteria: Invitae Variant Classification Sherloc (09022015). Collection method: clinical testing. Allele origin: unknown.
Comment: For these reasons, this variant has been classified as Pathogenic. This variant disrupts a region of the AAAS protein in which other variant(s) (p.Ser263Pro) have been determined to be pathogenic (PMID: 11159947, 22538409). This suggests that this is a clinically significant region of the protein, and that variants that disrupt it are likely to be disease-causing. This variant has not been reported in the literature in individuals affected with AAAS-related conditions. This variant is a gross deletion of the genomic region encompassing exon(s) 3-16 of the AAAS gene, which includes the termination codon. This deletion extends beyond the assayed region for this gene and therefore may encompass additional genes. While this deletion is not anticipated to lead to nonsense mediated decay, it is expected to alter mRNA translation or result in a truncated protein product.

Literature cited by the submitters: PubMed 11159947; PubMed 22538409.